The following is an entry in ClinVar:

ClinVar aggregate classification (germline): Uncertain significance (1 of 4 stars; one submission).

Conditions:
Glycogen storage disease type III (GSD3). Also called: Cori disease; FORBES DISEASE. Identifiers: Orphanet 366, MedGen C0017922, MONDO:0009291, OMIM 232400.

gnomAD v4.1: 2 of 1,613,534 alleles (0.00012%); highest among the groups gnomAD compares: Non-Finnish European, 0.00017%; no homozygotes.

Submission:

Labcorp Genetics (formerly Invitae), Labcorp
Classification: Uncertain significance for Glycogen storage disease type III. Last evaluated: 2019-09-20. Review status: criteria provided, single submitter. Criteria: Invitae Variant Classification Sherloc (09022015). Collection method: clinical testing. Allele origin: germline.
Comment: This sequence change replaces alanine with threonine at codon 1014 of the AGL protein (p.Ala1014Thr). The alanine residue is weakly conserved and there is a small physicochemical difference between alanine and threonine. This variant is not present in population databases (ExAC no frequency). This variant has not been reported in the literature in individuals with AGL-related conditions. Algorithms developed to predict the effect of missense changes on protein structure and function output the following: SIFT: "Tolerated"; PolyPhen-2: "Benign"; Align-GVGD: "Class C0". The threonine amino acid residue is found in multiple mammalian species, suggesting that this missense change does not adversely affect protein function. These predictions have not been confirmed by published functional studies and their clinical significance is uncertain. In summary, the available evidence is currently insufficient to determine the role of this variant in disease. Therefore, it has been classified as a Variant of Uncertain Significance.

NM_000642.3(AGL):c.3040G>A (p.Ala1014Thr)

Gene: AGL (amylo-alpha-1,6-glucosidase and 4-alpha-glucanotransferase; plus strand). Cytogenetic location: 1p21.2.
Variant type: single nucleotide variant.
Coding change: c.3040G>A on transcript NM_000642.3 (MANE Select); coding-DNA position 3040, G replaced by A.
Protein change: p.Ala1014Thr; replaces alanine 1014 with threonine.
Molecular consequence: missense variant.
Genome position (GRCh38, 1-based): chr1:99,891,696, G>A. VCF-style: chr1-99891696-G-A. GRCh37 (hg19) VCF-style: chr1-100357252-G-A.
Other names: c.3040G>A, p.Ala1014Thr (NM_000028.3, NM_000643.3, NM_000644.3 and 1 more transcripts); c.2992G>A, p.Ala998Thr (NM_000646.3); c.3019G>A, p.Ala1007Thr (NM_001425326.1); c.2839G>A, p.Ala947Thr (NM_001425327.1); c.2836G>A, p.Ala946Thr (NM_001425328.1); c.2701G>A, p.Ala901Thr (NM_001425329.1); c.2662G>A, p.Ala888Thr (NM_001425332.1); short protein forms A1014T, A998T, A1007T, A888T, A901T, A946T, A947T.
Identifiers: ClinVar variation 961740 (VCV000961740.1), dbSNP rs1652913374, ClinGen allele CA341326168.